The following is an entry in ClinVar:

NM_182961.4(SYNE1):c.3436C>G (p.Gln1146Glu)

Gene: SYNE1 (spectrin repeat containing nuclear envelope protein 1; minus strand). Cytogenetic location: 6q25.2.
Variant type: single nucleotide variant.
Coding change: c.3436C>G on transcript NM_182961.4 (MANE Select); coding-DNA position 3436, C replaced by G.
Protein change: p.Gln1146Glu; replaces glutamine 1146 with glutamic acid.
Molecular consequence: missense variant.
Genome position (GRCh38, 1-based): chr6:152,449,601, G>C on the plus strand (C>G on the coding strand, the complement: SYNE1 is on the minus strand). VCF-style: chr6-152449601-G-C. GRCh37 (hg19) VCF-style: chr6-152770736-G-C.
Other names: c.3457C>G, p.Gln1153Glu (NM_033071.5); short protein forms Q1146E, Q1153E.
Identifiers: ClinVar variation 448597 (VCV000448597.31), dbSNP rs760256766, ClinGen allele CA4058842.

ClinVar aggregate classification (germline): Conflicting classifications of pathogenicity. Review status: criteria provided, conflicting classifications (1 of 4 stars). 4 submissions from 4 submitters: Uncertain significance (3); Likely benign (1). Last evaluated 2024-03-30.

Conditions:
Emery-Dreifuss muscular dystrophy 4, autosomal dominant (EDMD4). Also called: EMERY-DREIFUSS MUSCULAR DYSTROPHY 4 WITH VARIABLE FEATURES. Identifiers: Orphanet 261, MedGen C2751807, MONDO:0013071, OMIM 612998.
Autosomal recessive ataxia, Beauce type. Also called: SYNE1 Deficiency; Spinocerebellar ataxia, autosomal recessive 8; ATAXIA, RECESSIVE, OF BEAUCE; SYNE1-Related Autosomal Recessive Cerebellar Ataxia. Identifiers: Orphanet 88644, MedGen C1853116, MONDO:0012549, OMIM 610743.

Allele frequency attached by ClinVar (database versions not stated): ExAC 0.00002; TOPMed 0.00004; gnomAD 0.00005 and 0.00006; gnomAD exomes 0.00008 and 0.00012.
gnomAD v4.1: 121 of 1,613,768 alleles (0.0075%); highest among the groups gnomAD compares: Non-Finnish European, 0.0058%; 1 homozygote.

Submissions (4):

Labcorp Genetics (formerly Invitae), Labcorp
Classification: Uncertain significance for Emery-Dreifuss muscular dystrophy 4, autosomal dominant; Autosomal recessive ataxia, Beauce type. Last evaluated: 2024-03-30. Review status: criteria provided, single submitter. Criteria: Invitae Variant Classification Sherloc (09022015). Collection method: clinical testing. Allele origin: germline.
Comment: This sequence change replaces glutamine, which is neutral and polar, with glutamic acid, which is acidic and polar, at codon 1153 of the SYNE1 protein (p.Gln1153Glu). This variant is present in population databases (rs760256766, gnomAD 0.08%). This variant has not been reported in the literature in individuals affected with SYNE1-related conditions. ClinVar contains an entry for this variant (Variation ID: 448597). Algorithms developed to predict the effect of missense changes on protein structure and function output the following: SIFT: "Not Available"; PolyPhen-2: "Benign"; Align-GVGD: "Not Available". The glutamic acid amino acid residue is found in multiple mammalian species, which suggests that this missense change does not adversely affect protein function. In summary, the available evidence is currently insufficient to determine the role of this variant in disease. Therefore, it has been classified as a Variant of Uncertain Significance.

Revvity Omics, Revvity
Classification: Uncertain significance. Last evaluated: 2023-09-15. Review status: criteria provided, single submitter. Criteria: ACMG Guidelines, 2015. Collection method: clinical testing. Allele origin: germline.

Athena Diagnostics
Classification: Uncertain significance. Last evaluated: 2022-09-22. Review status: criteria provided, single submitter. Criteria: Athena Diagnostics Criteria. Collection method: clinical testing. Allele origin: unknown.
Comment: Available data are insufficient to determine the clinical significance of the variant at this time. The frequency of this variant in the general population is higher than would generally be expected for pathogenic variants in this gene. Computational tools predict that this variant is not damaging.

CeGaT Center for Human Genetics Tuebingen
Classification: Likely benign. Last evaluated: 2022-08-01. Review status: criteria provided, single submitter. Criteria: CeGaT Center For Human Genetics Tuebingen Variant Classification Criteria Version 2. Collection method: clinical testing. Allele origin: germline. Affected: yes. Observed: 1 variant allele.
Comment: SYNE1: BP4